The following is an entry in ClinVar:

ClinVar aggregate classification (germline): Conflicting classifications of pathogenicity. Review status: criteria provided, conflicting classifications (1 of 4 stars). 3 submissions from 3 submitters: Likely pathogenic (2); Uncertain significance (1). Last evaluated 2026-06-16.

Conditions:
Usher syndrome type 2A. Also called: USHER SYNDROME, TYPE IIA; RETINAL DISEASE IN USHER SYNDROME TYPE IIA, MODIFIER OF. Identifiers: Orphanet 231178, Orphanet 886, MedGen C1848634, MONDO:0010169, OMIM 276901.
Retinitis pigmentosa 39 (RP39). Identifiers: Orphanet 791, MedGen C3151138, MONDO:0013436, OMIM 613809.
USH2A-related disorder. Also called: USH2A-related disorders; USH2A-related condition. Identifiers: MedGen CN239332.

Submissions (3):

Myriad Genetics, Inc.
Classification: Uncertain significance for USH2A-related disorder. Last evaluated: 2026-06-16. Review status: criteria provided, single submitter. Criteria: Myriad Autosomal Dominant, Autosomal Recessive and X-Linked Classification Criteria (2023). Collection method: clinical testing. Allele origin: unknown.
Comment: NM_206933.2(USH2A):c.15298-2A>C is a variant in a canonical splice site classified as a variant of uncertain significance in the context of USH2A-related disorders. c.15298-2A>C has not been observed in cases with relevant disease. Relevant functional assessments of this variant are not available in the literature. c.15298-2A>C has not been observed in referenced population frequency databases. In summary, there is insufficient evidence to classify NM_206933.2(USH2A):c.15298-2A>C as pathogenic or benign. Please note: this variant was assessed in the context of healthy population screening.

Natera, Inc.
Classification: Likely pathogenic for Usher syndrome type 2A. Last evaluated: 2024-05-31. Review status: criteria provided, single submitter. Criteria: Natera Variant Classification Schema (03/2026). Collection method: clinical testing. Allele origin: germline.
Comment: The c.15298-2A>C variant in USH2A is a canonical splice acceptor site variant predicted to affect pre-mRNA splicing, which may result in an abnormal transcript and altered protein product. This variant is expected to result in nonsense mediated decay, truncation, or a dysfunctional protein product. This variant is rare in the general population with a frequency below the threshold expected for the associated phenotype(s). Given the available evidence, this variant is classified as Likely Pathogenic.

Baylor Genetics
Classification: Likely pathogenic for Retinitis pigmentosa 39. Last evaluated: 2022-07-09. Review status: criteria provided, single submitter. Criteria: ACMG Guidelines, 2015. Collection method: clinical testing. Allele origin: unknown.

NM_206933.4(USH2A):c.15298-2A>C

Gene: USH2A (usherin; minus strand). Cytogenetic location: 1q41.
Variant type: single nucleotide variant.
Coding change: c.15298-2A>C on transcript NM_206933.4 (MANE Select); the canonical splice acceptor site of the intron before coding-DNA position 15298, A replaced by C.
Molecular consequence: splice acceptor variant.
Genome position (GRCh38, 1-based): chr1:215,629,037, T>G on the plus strand (A>C on the coding strand, the complement: USH2A is on the minus strand). VCF-style: chr1-215629037-T-G. GRCh37 (hg19) VCF-style: chr1-215802379-T-G.
Other names: c.15298-2A>C (NM_206933.2).
Identifiers: ClinVar variation 2679560 (VCV002679560.3), dbSNP rs2464753342, ClinGen allele CA344821646.